The following is an entry in ClinVar:

NM_001029883.3(PCARE):c.157G>T (p.Ala53Ser)

Gene: PCARE (photoreceptor cilium actin regulator; minus strand). Cytogenetic location: 2p23.2.
Variant type: single nucleotide variant.
Coding change: c.157G>T on transcript NM_001029883.3 (MANE Select); coding-DNA position 157, G replaced by T.
Protein change: p.Ala53Ser; replaces alanine 53 with serine.
Molecular consequence: missense variant.
Genome position (GRCh38, 1-based): chr2:29,074,105, C>A on the plus strand (G>T on the coding strand, the complement: PCARE is on the minus strand). VCF-style: chr2-29074105-C-A. GRCh37 (hg19) VCF-style: chr2-29296971-C-A.
Other names: short protein forms A53S.
Identifiers: ClinVar variation 1040223 (VCV001040223.5), dbSNP rs763595029, ClinGen allele CA1592704.

ClinVar aggregate classification (germline): Uncertain significance (1 of 4 stars; one submission).

Allele frequency attached by ClinVar (database versions not stated): ExAC 0.00001; gnomAD 0.00001; TOPMed 0.00002.
gnomAD v4.1: 69 of 1,614,072 alleles (0.0043%); highest among the groups gnomAD compares: Non-Finnish European, 0.0058%; no homozygotes.

Submission:

Labcorp Genetics (formerly Invitae), Labcorp
Classification: Uncertain significance. Last evaluated: 2025-05-05. Review status: criteria provided, single submitter. Criteria: Invitae Variant Classification Sherloc (09022015). Collection method: clinical testing. Allele origin: germline.
Comment: This sequence change replaces alanine, which is neutral and non-polar, with serine, which is neutral and polar, at codon 53 of the PCARE protein (p.Ala53Ser). This variant is present in population databases (rs763595029, gnomAD 0.002%). This variant has not been reported in the literature in individuals affected with PCARE-related conditions. ClinVar contains an entry for this variant (Variation ID: 1040223). An algorithm developed to predict the effect of missense changes on protein structure and function outputs the following: PolyPhen-2: "Benign". The serine amino acid residue is found in multiple mammalian species, which suggests that this missense change does not adversely affect protein function. In summary, the available evidence is currently insufficient to determine the role of this variant in disease. Therefore, it has been classified as a Variant of Uncertain Significance.